The following is an entry in ClinVar:

NM_144991.3(TSPEAR):c.379C>T (p.Gln127Ter)

Gene: TSPEAR (thrombospondin type laminin G domain and EAR repeats; minus strand). Cytogenetic location: 21q22.3.
Variant type: single nucleotide variant.
Coding change: c.379C>T on transcript NM_144991.3 (MANE Select); coding-DNA position 379, C replaced by T.
Protein change: p.Gln127Ter; replaces glutamine 127 with a stop codon.
Molecular consequence: nonsense.
Genome position (GRCh38, 1-based): chr21:44,533,848, G>A on the plus strand (C>T on the coding strand, the complement: TSPEAR is on the minus strand). VCF-style: chr21-44533848-G-A. GRCh37 (hg19) VCF-style: chr21-45953731-G-A.
Other names: c.175C>T, p.Gln59Ter (NM_001272037.2); short protein forms Q127*, Q59*.
Identifiers: ClinVar variation 2865945 (VCV002865945.3), dbSNP rs2053027437, ClinGen allele CA410448134.
Genomic context (GRCh38, chr21:44,533,848, plus strand): 5'-AGGACACTCGGGTCTGCCAGGCGCCGGCCGTGTCCTCGCGAAGGAACAGGAAGTGCAGCT[G>A]GGCAGGTGACAACCGCAGGCCGAGCAGCAGCAGGTCGCTCTCCTCTGCCACCACCGTCAG-3'

ClinVar aggregate classification (germline): Pathogenic (1 of 4 stars; one submission).

Allele frequency attached by ClinVar (database versions not stated): gnomAD exomes 0.00001.

Submission:

Labcorp Genetics (formerly Invitae), Labcorp
Classification: Pathogenic. Last evaluated: 2023-05-19. Review status: criteria provided, single submitter. Criteria: Invitae Variant Classification Sherloc (09022015). Collection method: clinical testing. Allele origin: germline.
Comment: This sequence change creates a premature translational stop signal (p.Gln127*) in the TSPEAR gene. It is expected to result in an absent or disrupted protein product. Loss-of-function variants in TSPEAR are known to be pathogenic (PMID: 34042254). This variant is not present in population databases (gnomAD no frequency). This variant has not been reported in the literature in individuals affected with TSPEAR-related conditions. For these reasons, this variant has been classified as Pathogenic.

Literature cited by the submitters: PubMed 34042254.